The following is an entry in ClinVar:

ClinVar aggregate classification (germline): Uncertain significance (1 of 4 stars; one submission).

Submission:

Genetic Services Laboratory, University of Chicago
Classification: Uncertain significance. Last evaluated: 2023-03-31. Review status: criteria provided, single submitter. Criteria: ACMG Guidelines, 2015. Collection method: clinical testing. Allele origin: germline. Affected: no.
Comment: DNA sequence analysis of the CFH gene demonstrated a sequence change, c.1418C>A, in exon 10 that results in an amino acid change, p.Ala473Glu. This sequence change has not been described in population databases such as ExAC and gnomAD. The p.Ala473Glu change affects a highly conserved amino acid residue located in a domain of the CFH protein that is known to be functional. In-silico pathogenicity prediction tools (SIFT, PolyPhen2, Align GVGD, REVEL) provide contradictory results for the p.Ala473Glu substitution. This particular amino acid change does not appear to have been described in the literature in individuals with CFH-related disorders, however, different sequence changes affecting the same amino acid residue (1418C>T p.Ala473Val; c.1419G>A p.Ala473Ala) have been described in individuals with CFH-related disorders (PMID: 34508573, 26501415, 22848687, 21868097). Due to insufficient evidences and the lack of functional studies, the clinical significance of the p.Ala473Glu change remains unknown at this time.

NM_000186.4(CFH):c.1418C>A (p.Ala473Glu)

Gene: CFH (complement factor H; plus strand). Cytogenetic location: 1q31.3.
Variant type: single nucleotide variant.
Coding change: c.1418C>A on transcript NM_000186.4 (MANE Select); coding-DNA position 1418, C replaced by A.
Protein change: p.Ala473Glu; replaces alanine 473 with glutamic acid.
Molecular consequence: missense variant.
Genome position (GRCh38, 1-based): chr1:196,713,816, C>A. VCF-style: chr1-196713816-C-A. GRCh37 (hg19) VCF-style: chr1-196682946-C-A.
Other names: short protein forms A473E.
Identifiers: ClinVar variation 4082407 (VCV004082407.2).